The following is an entry in ClinVar:

ClinVar aggregate classification (germline): Benign/Likely benign. Review status: criteria provided, multiple submitters, no conflicts (2 of 4 stars). 6 submissions from 6 submitters: Benign (1); Likely benign (5). Last evaluated 2026-01-17.

Conditions:
Collagen 6-related myopathy. Identifiers: MedGen CN117976, MONDO:0100225.
Bethlem myopathy 1A. Also called: MYOPATHY, BENIGN CONGENITAL, WITH CONTRACTURES; Bethlem myopathy 1; Bethlem Muscular Dystrophy. Identifiers: Orphanet 610, MedGen CN029274, MONDO:0024530, OMIM 158810.

Allele frequency attached by ClinVar (database versions not stated): gnomAD exomes 0.00063; ExAC 0.00064; gnomAD 0.00072 and 0.00077; 1000 Genomes Project 30x 0.00078; TOPMed 0.00082; ESP Exome Variant Server 0.00092; 1000 Genomes Project 0.00100.
gnomAD v4.1: 965 of 1,613,852 alleles (0.06%); highest among the groups gnomAD compares: Middle Eastern, 0.35%; 1 homozygote.

Submissions (6):

Labcorp Genetics (formerly Invitae), Labcorp
Classification: Benign for Bethlem myopathy 1A. Last evaluated: 2026-01-17. Review status: criteria provided, single submitter. Criteria: Invitae Variant Classification Sherloc (09022015). Collection method: clinical testing. Allele origin: germline.

CeGaT Center for Human Genetics Tuebingen
Classification: Likely benign. Last evaluated: 2025-12-01. Review status: criteria provided, single submitter. Criteria: CeGaT Center For Human Genetics Tuebingen Variant Classification Criteria Version 2. Collection method: clinical testing. Allele origin: germline. Affected: yes. Observed: 8 variant alleles.
Comment: COL6A3: BP4, BS2

Revvity Omics, Revvity
Classification: Likely benign. Last evaluated: 2023-06-20. Review status: criteria provided, single submitter. Criteria: ACMG Guidelines, 2015. Collection method: clinical testing. Allele origin: germline.

GeneDx
Classification: Likely benign. Last evaluated: 2020-01-28. Review status: criteria provided, single submitter. Criteria: GeneDx Variant Classification Process June 2021. Collection method: clinical testing. Allele origin: germline. Affected: yes.
Comment: This variant is associated with the following publications: (PMID: 25224718, 26004199, 30564623, 26687111, 23040494)

Illumina Laboratory Services, Illumina
Classification: Likely benign for Collagen VI-related myopathy. Last evaluated: 2017-04-28. Review status: criteria provided, single submitter. Criteria: ICSL Variant Classification Criteria 13 December 2019. Collection method: clinical testing. Allele origin: germline.
Comment: This variant was observed as part of a predisposition screen in an ostensibly healthy population. A literature search was performed for the gene, cDNA change, and amino acid change (where applicable). No publications were found based on this search. Allele frequency data from public databases allowed determination this variant is unlikely to cause disease. Therefore, this variant is classified as likely benign.

Eurofins Ntd Llc (ga)
Classification: Likely benign. Last evaluated: 2016-10-26. Review status: criteria provided, single submitter. Criteria: EGL Classification Definitions 2015. Collection method: clinical testing. Allele origin: germline. Observed: 14 variant alleles, 14 heterozygotes.

Literature cited by the submitters: PubMed 25224718 (cited by Eurofins Ntd Llc (ga)); PubMed 26004199 (cited by Eurofins Ntd Llc (ga)).

NM_004369.4(COL6A3):c.4117G>A (p.Ala1373Thr)

Gene: COL6A3 (collagen type VI alpha 3 chain; minus strand). Cytogenetic location: 2q37.3.
Variant type: single nucleotide variant.
Coding change: c.4117G>A on transcript NM_004369.4 (MANE Select); coding-DNA position 4117, G replaced by A.
Protein change: p.Ala1373Thr; replaces alanine 1373 with threonine.
Molecular consequence: missense variant.
Genome position (GRCh38, 1-based): chr2:237,371,900, C>T on the plus strand (G>A on the coding strand, the complement: COL6A3 is on the minus strand). VCF-style: chr2-237371900-C-T. GRCh37 (hg19) VCF-style: chr2-238280543-C-T.
Other names: c.2896G>A, p.Ala966Thr (NM_057164.5); c.3499G>A, p.Ala1167Thr (NM_057165.5, NM_057167.4); c.2296G>A, p.Ala766Thr (NM_057166.5); short protein forms A1373T, A1167T, A766T, A966T.
Identifiers: ClinVar variation 199092 (VCV000199092.64), dbSNP rs112181324, ClinGen allele CA248096.